The following is an entry in ClinVar:

ClinVar aggregate classification (germline): Conflicting classifications of pathogenicity. Review status: criteria provided, conflicting classifications (1 of 4 stars). 5 submissions from 5 submitters: Uncertain significance (1); Benign (1); Likely benign (3). Last evaluated 2025-12-30.

Conditions:
Autosomal recessive nonsyndromic hearing loss 3. Also called: NEUROSENSORY NONSYNDROMIC RECESSIVE DEAFNESS 3. Identifiers: Orphanet 90636, MedGen C1838263, MONDO:0010860, OMIM 600316.

Allele frequency attached by ClinVar (database versions not stated): gnomAD 0.00017 and 0.00013; TOPMed 0.00018; gnomAD exomes 0.00023 and 0.00046; 1000 Genomes Project 30x 0.00047; 1000 Genomes Project 0.00060; ExAC 0.00061.
gnomAD v4.1: 369 of 1,607,288 alleles (0.023%); highest among the groups gnomAD compares: South Asian, 0.14%; 2 homozygotes.

Submissions (5):

Labcorp Genetics (formerly Invitae), Labcorp
Classification: Benign. Last evaluated: 2025-12-30. Review status: criteria provided, single submitter. Criteria: Invitae Variant Classification Sherloc (09022015). Collection method: clinical testing. Allele origin: germline.

Blueprint Genetics
Classification: Likely benign. Last evaluated: 2024-11-07. Review status: criteria provided, single submitter. Criteria: ACMG Guidelines, 2015. Collection method: clinical testing. Allele origin: germline.

GeneDx
Classification: Likely benign. Last evaluated: 2020-11-02. Review status: criteria provided, single submitter. Criteria: GeneDx Variant Classification Process June 2021. Collection method: clinical testing. Allele origin: germline. Affected: yes.

Illumina Laboratory Services, Illumina
Classification: Uncertain significance for Autosomal recessive nonsyndromic hearing loss 3. Last evaluated: 2018-01-12. Review status: criteria provided, single submitter. Criteria: ICSL Variant Classification Criteria 13 December 2019. Collection method: clinical testing. Allele origin: germline.

Laboratory for Molecular Medicine, Mass General Brigham Personalized Medicine
Classification: Likely benign. Last evaluated: 2017-08-23. Review status: criteria provided, single submitter. Criteria: LMM Criteria. Collection method: clinical testing. Allele origin: germline. Observed: 1 variant allele.
Comment: p.Phe534Phe in exon 2 of MYO15A: This variant is not expected to have clinical s ignificance because it does not alter an amino acid residue and is not located w ithin the splice consensus sequence. It has been identified in 0.24% (33/13658) of South Asian chromosomes by the Exome Aggregation Consortium (ExAC; dbSNP rs547305039).

NM_016239.4(MYO15A):c.1602C>T (p.Phe534=)

Gene: MYO15A (myosin XVA; plus strand). Cytogenetic location: 17p11.2.
Variant type: single nucleotide variant.
Coding change: c.1602C>T on transcript NM_016239.4 (MANE Select); coding-DNA position 1602, C replaced by T.
Protein change: p.Phe534=; no amino-acid change (phenylalanine 534 retained).
Molecular consequence: synonymous variant.
Genome position (GRCh38, 1-based): chr17:18,120,402, C>T. VCF-style: chr17-18120402-C-T. GRCh37 (hg19) VCF-style: chr17-18023716-C-T.
Identifiers: ClinVar variation 322119 (VCV000322119.20), dbSNP rs547305039, ClinGen allele CA8423132.
Genomic context (GRCh38, chr17:18,120,402, plus strand): 5'-GGACGAGGAGGAGCTGCCCCCGGTTTCCGCTGTGCCCTACGGCCACCCTTTCTGGGGCTT[C>T]CTCACGCCGCGCCAGCGCAACCTCCAGCGCGCGCTGTCGGCCTTCGGCGCCCACCGGGGC-3'
Protein context (NP_057323.3, residues 524-544): AVPYGHPFWG[Phe534=]LTPRQRNLQR